The following is an entry in ClinVar:

ClinVar aggregate classification (germline): Likely benign (0 of 4 stars; one submission).

Conditions:
NFU1-related disorder. Also called: NFU1-related condition.

Allele frequency attached by ClinVar (database versions not stated): TOPMed below 0.00001; gnomAD exomes 0.00001.
gnomAD v4.1: 3 of 1,613,026 alleles (0.00019%); highest among the groups gnomAD compares: Non-Finnish European, 0.00025%; no homozygotes.

Submission:

PreventionGenetics, part of Exact Sciences
Classification: Likely benign for NFU1-related condition. Last evaluated: 2020-04-03. Review status: no assertion criteria provided. Collection method: clinical testing. Allele origin: germline.
Comment: This variant is classified as likely benign based on ACMG/AMP sequence variant interpretation guidelines (Richards et al. 2015 PMID: 25741868, with internal and published modifications).

NM_001002755.4(NFU1):c.546-5C>T

Gene: NFU1 (NFU1 iron-sulfur cluster scaffold; minus strand). Cytogenetic location: 2p13.3.
Variant type: single nucleotide variant.
Coding change: c.546-5C>T on transcript NM_001002755.4 (MANE Select); 5 bases into the intron before coding-DNA position 546, C replaced by T.
Molecular consequence: intron variant.
Genome position (GRCh38, 1-based): chr2:69,400,543, G>A on the plus strand (C>T on the coding strand, the complement: NFU1 is on the minus strand). VCF-style: chr2-69400543-G-A. GRCh37 (hg19) VCF-style: chr2-69627675-G-A.
Other names: c.474-5C>T (NM_015700.4, NM_001374284.1); c.123-5C>T (NM_001002756.2).
Identifiers: ClinVar variation 3054903 (VCV003054903.2), dbSNP rs1348517700, ClinGen allele CA533188568.
Genomic context (GRCh38, chr2:69,400,543, plus strand): 5'-TGCCATCTTCAAAGCCTTTGTAGATTACATCCCCTCCATCTTCCTGCACAGTTGGCCTGT[G>A]AGGTCAAAGAATATTTATGACATATTCTTTAAAATACAAGTTTTCATTGAAAAAATTTAA-3'